The following is an entry in ClinVar:

ClinVar aggregate classification (germline): Uncertain significance. Review status: criteria provided, multiple submitters, no conflicts (2 of 4 stars). 2 submissions from 2 submitters: Uncertain significance (2). Last evaluated 2021-12-28.

Conditions:
Hereditary cancer-predisposing syndrome. Also called: Tumor predisposition; Neoplastic Syndromes, Hereditary; Hereditary Cancer Syndrome; Hereditary neoplastic syndrome. Identifiers: Orphanet 140162, MedGen C0027672, MeSH D009386, MONDO:0015356.
Ataxia-telangiectasia syndrome (AT). Also called: ATAXIA-TELANGIECTASIA, COMPLEMENTATION GROUP A; ATAXIA-TELANGIECTASIA, FRESNO VARIANT; Ataxia-telangiectasia; Ataxia-telangiectasia, complementation group D; AT, COMPLEMENTATION GROUP C; Ataxia-telangiectasia, complementation group E. Identifiers: Orphanet 100, MedGen C0004135, MONDO:0008840, OMIM 208900.

Allele frequency attached by ClinVar (database versions not stated): gnomAD exomes below 0.00001.
gnomAD v4.1: 1 of 1,613,898 alleles (0.000062%); highest among the groups gnomAD compares: Non-Finnish European, 0.000085%; no homozygotes.

Submissions (2):

Ambry Genetics
Classification: Uncertain significance for Hereditary cancer-predisposing syndrome. Last evaluated: 2021-12-28. Review status: criteria provided, single submitter. Criteria: Ambry Variant Classification Scheme 2023. Collection method: clinical testing. Allele origin: germline.
Comment: The p.I2844S variant (also known as c.8531T>G), located in coding exon 57 of the ATM gene, results from a T to G substitution at nucleotide position 8531. The isoleucine at codon 2844 is replaced by serine, an amino acid with dissimilar properties. This amino acid position is poorly conserved in available vertebrate species. In addition, this alteration is predicted to be tolerated by in silico analysis. Since supporting evidence is limited at this time, the clinical significance of this alteration remains unclear.

Labcorp Genetics (formerly Invitae), Labcorp
Classification: Uncertain significance for Ataxia-telangiectasia syndrome. Last evaluated: 2021-12-05. Review status: criteria provided, single submitter. Criteria: Invitae Variant Classification Sherloc (09022015). Collection method: clinical testing. Allele origin: germline.
Comment: In summary, the available evidence is currently insufficient to determine the role of this variant in disease. Therefore, it has been classified as a Variant of Uncertain Significance. Algorithms developed to predict the effect of missense changes on protein structure and function are either unavailable or do not agree on the potential impact of this missense change (SIFT: "Deleterious"; PolyPhen-2: "Benign"; Align-GVGD: "Class C0"). ClinVar contains an entry for this variant (Variation ID: 822540). This variant has not been reported in the literature in individuals affected with ATM-related conditions. This variant is not present in population databases (gnomAD no frequency). This sequence change replaces isoleucine, which is neutral and non-polar, with serine, which is neutral and polar, at codon 2844 of the ATM protein (p.Ile2844Ser).

NM_000051.4(ATM):c.8531T>G (p.Ile2844Ser)

Genes: ATM (ATM serine/threonine kinase; plus strand), C11orf65 (chromosome 11 open reading frame 65; minus strand). Cytogenetic location: 11q22.3.
Variant type: single nucleotide variant.
Coding change: c.8531T>G on transcript NM_000051.4 (MANE Select); coding-DNA position 8531, T replaced by G.
Protein change: p.Ile2844Ser; replaces isoleucine 2844 with serine.
Molecular consequence: missense variant. On other transcripts: intron variant (2).
Genome position (GRCh38, 1-based): chr11:108,345,855, T>G. VCF-style: chr11-108345855-T-G. GRCh37 (hg19) VCF-style: chr11-108216582-T-G.
Other names: c.8531T>G, p.Ile2844Ser (NM_001351834.2); c.641-36784A>C (NM_001330368.2); c.695-10563A>C (NM_001351110.2); short protein forms I2844S.
Identifiers: ClinVar variation 822540 (VCV000822540.11), dbSNP rs1591265172, ClinGen allele CA382518356.